The following is an entry in ClinVar:

ClinVar aggregate classification (germline): Pathogenic (1 of 4 stars; one submission).

Submission:

Labcorp Genetics (formerly Invitae), Labcorp
Classification: Pathogenic. Last evaluated: 2022-09-27. Review status: criteria provided, single submitter. Criteria: Invitae Variant Classification Sherloc (09022015). Collection method: clinical testing. Allele origin: germline.
Comment: For these reasons, this variant has been classified as Pathogenic. This variant has not been reported in the literature in individuals affected with DNAAF4-related conditions. This variant is a gross deletion of the genomic region encompassing exon(s) 2-4 of the DNAAF4 gene, which includes the initiator codon. This deletion extends beyond the assayed region for this gene and therefore may encompass additional genes. It is expected to result in an absent or disrupted protein product. Loss-of-function variants in DNAAF4 are known to be pathogenic (PMID: 23872636).

Literature cited by the submitters: PubMed 23872636.

NC_000015.9:g.(?_55783301)_(55790527_?)del

Gene: DNAAF4 (dynein axonemal assembly factor 4; minus strand). Cytogenetic location: 15q21.3.
Variant type: Deletion.
Identifiers: ClinVar variation 2427199 (VCV002427199.4).